The following is an entry in ClinVar:

ClinVar aggregate classification (germline): Likely benign (0 of 4 stars; one submission).

Conditions:
Familial cardiomyopathy. Identifiers: MedGen C0264789, MONDO:0005217.

Submission:

Evolutionary and Medical Genetics Laboratory,  Centre for Cellular and Molecular Biology
Classification: Likely benign. Review status: no assertion criteria provided. Collection method: not provided. Allele origin: unknown.
Comment: Missense mutation/Non-synonymous
ClinVar note: Converted during submission from probable-non-pathogenic to Likely benign.

NM_000257.4(MYH7):c.1084A>T (p.Met362Leu)

Gene: MYH7 (myosin heavy chain 7; minus strand). Cytogenetic location: 14q11.2.
Variant type: single nucleotide variant.
Coding change: c.1084A>T on transcript NM_000257.4 (MANE Select); coding-DNA position 1084, A replaced by T.
Protein change: p.Met362Leu; replaces methionine 362 with leucine.
Molecular consequence: missense variant.
Genome position (GRCh38, 1-based): chr14:23,429,829, T>A on the plus strand (A>T on the coding strand, the complement: MYH7 is on the minus strand). VCF-style: chr14-23429829-T-A. GRCh37 (hg19) VCF-style: chr14-23899038-T-A.
Other names: short protein forms M362L.
Identifiers: ClinVar variation 132932 (VCV000132932.2), dbSNP rs606231317, ClinGen allele CA010165.